The following is an entry in ClinVar:

ClinVar aggregate classification (germline): Uncertain significance (1 of 4 stars; one submission).

Allele frequency attached by ClinVar (database versions not stated): gnomAD exomes below 0.00001; TOPMed below 0.00001; gnomAD 0.00001.
gnomAD v4.1: 6 of 1,613,952 alleles (0.00037%); highest among the groups gnomAD compares: Non-Finnish European, 0.00051%; no homozygotes.

Submission:

Labcorp Genetics (formerly Invitae), Labcorp
Classification: Uncertain significance. Last evaluated: 2022-07-20. Review status: criteria provided, single submitter. Criteria: Invitae Variant Classification Sherloc (09022015). Collection method: clinical testing. Allele origin: germline.
Comment: In summary, the available evidence is currently insufficient to determine the role of this variant in disease. Therefore, it has been classified as a Variant of Uncertain Significance. Algorithms developed to predict the effect of missense changes on protein structure and function (SIFT, PolyPhen-2, Align-GVGD) all suggest that this variant is likely to be tolerated. This variant has not been reported in the literature in individuals affected with KMT2A-related conditions. This variant is present in population databases (no rsID available, gnomAD 0.0009%). This sequence change replaces alanine, which is neutral and non-polar, with threonine, which is neutral and polar, at codon 3729 of the KMT2A protein (p.Ala3729Thr).

NM_001197104.2(KMT2A):c.11185G>A (p.Ala3729Thr)

Genes: KMT2A (lysine methyltransferase 2A; plus strand), TTC36-AS1 (TTC36 and KMT2A antisense RNA 1; minus strand). Cytogenetic location: 11q23.3.
Variant type: single nucleotide variant.
Coding change: c.11185G>A on transcript NM_001197104.2 (MANE Select); coding-DNA position 11185, G replaced by A.
Protein change: p.Ala3729Thr; replaces alanine 3729 with threonine.
Molecular consequence: missense variant. On other transcripts: non-coding transcript variant (4).
Genome position (GRCh38, 1-based): chr11:118,519,656, G>A. VCF-style: chr11-118519656-G-A. GRCh37 (hg19) VCF-style: chr11-118390371-G-A.
Other names: c.11275G>A, p.Ala3759Thr (NM_001412597.1); c.11176G>A, p.Ala3726Thr (NM_005933.4); short protein forms A3759T, A3729T, A3726T.
Identifiers: ClinVar variation 2035842 (VCV002035842.4), dbSNP rs890026629, ClinGen allele CA229538830.